The following is an entry in ClinVar:

ClinVar aggregate classification (germline): Uncertain significance (1 of 4 stars; one submission).

Allele frequency attached by ClinVar (database versions not stated): gnomAD 0.00001; TOPMed 0.00001; gnomAD exomes 0.00003; ExAC 0.00007.
gnomAD v4.1: 18 of 1,614,070 alleles (0.0011%); highest among the groups gnomAD compares: Admixed American, 0.03%; no homozygotes.

Submission:

Labcorp Genetics (formerly Invitae), Labcorp
Classification: Uncertain significance. Last evaluated: 2023-03-08. Review status: criteria provided, single submitter. Criteria: Invitae Variant Classification Sherloc (09022015). Collection method: clinical testing. Allele origin: germline.
Comment: This sequence change replaces asparagine, which is neutral and polar, with serine, which is neutral and polar, at codon 619 of the TRRAP protein (p.Asn619Ser). This variant is present in population databases (rs782533002, gnomAD 0.04%), and has an allele count higher than expected for a pathogenic variant. This variant has not been reported in the literature in individuals affected with TRRAP-related conditions. Advanced modeling of protein sequence and biophysical properties (such as structural, functional, and spatial information, amino acid conservation, physicochemical variation, residue mobility, and thermodynamic stability) performed at Invitae indicates that this missense variant is not expected to disrupt TRRAP protein function. In summary, the available evidence is currently insufficient to determine the role of this variant in disease. Therefore, it has been classified as a Variant of Uncertain Significance.

NM_001375524.1(TRRAP):c.1856A>G (p.Asn619Ser)

Gene: TRRAP (transformation/transcription domain associated protein; plus strand). Cytogenetic location: 7q22.1.
Variant type: single nucleotide variant.
Coding change: c.1856A>G on transcript NM_001375524.1 (MANE Select); coding-DNA position 1856, A replaced by G.
Protein change: p.Asn619Ser; replaces asparagine 619 with serine.
Molecular consequence: missense variant.
Genome position (GRCh38, 1-based): chr7:98,911,120, A>G. VCF-style: chr7-98911120-A-G. GRCh37 (hg19) VCF-style: chr7-98508743-A-G.
Other names: c.1856A>G, p.Asn619Ser (NM_001244580.2, NM_003496.4); short protein forms N619S.
Identifiers: ClinVar variation 2971079 (VCV002971079.3), dbSNP rs782533002, ClinGen allele CA4359643.